The following is an entry in ClinVar:

NM_005018.3(PDCD1):c.76+15C>T

Gene: PDCD1 (programmed cell death 1; minus strand). Cytogenetic location: 2q37.3.
Variant type: single nucleotide variant.
Coding change: c.76+15C>T on transcript NM_005018.3 (MANE Select); 15 bases into the intron after coding-DNA position 76, C replaced by T.
Molecular consequence: intron variant.
Genome position (GRCh38, 1-based): chr2:241,858,748, G>A on the plus strand (C>T on the coding strand, the complement: PDCD1 is on the minus strand). VCF-style: chr2-241858748-G-A. GRCh37 (hg19) VCF-style: chr2-242800900-G-A.
Identifiers: ClinVar variation 1177788 (VCV001177788.5), dbSNP rs35933396, ClinGen allele CA2223455.

ClinVar aggregate classification (germline): Benign. Review status: criteria provided, multiple submitters, no conflicts (2 of 4 stars). 3 submissions from 3 submitters: Benign (3). Last evaluated 2024-01-24.

Allele frequency attached by ClinVar (database versions not stated): ESP Exome Variant Server 0.02368; gnomAD 0.05144 and 0.05850; TOPMed 0.07171; gnomAD exomes 0.09877; 1000 Genomes Project 30x 0.14225; ExAC 0.15088; 1000 Genomes Project 0.15216.
gnomAD v4.1: 62,720 of 1,576,328 alleles (4%); highest among the groups gnomAD compares: East Asian, 50%; 7,994 homozygotes.

Submissions (3):

Unidad de Genómica Garrahan, Hospital de Pediatría Garrahan
Classification: Benign. Last evaluated: 2024-01-24. Review status: criteria provided, single submitter. Criteria: ACMG Guidelines, 2015. Collection method: clinical testing. Allele origin: germline. Affected: no. Observed: 36 variant alleles.
Comment: This variant is classified as Benign based on local population frequency. This variant was detected in 38% of patients studied by a panel of primary immunodeficiencies. Number of patients: 36. Only high quality variants are reported.

GeneDx
Classification: Benign. Last evaluated: 2018-11-12. Review status: criteria provided, single submitter. Criteria: GeneDx Variant Classification Process June 2021. Collection method: clinical testing. Allele origin: germline. Affected: yes.

Breakthrough Genomics
Classification: Benign. Review status: criteria provided, single submitter. Criteria: ACMG Guidelines, 2015. Collection method: not provided. Allele origin: germline. Inheritance: Multifactorial inheritance. Affected: yes.